The following is an entry in ClinVar:

ClinVar aggregate classification (germline): Likely benign (1 of 4 stars; one submission).

Submission:

Center for Genomic Medicine, Rigshospitalet, Copenhagen University Hospital
Classification: Likely benign. Last evaluated: 2025-12-29. Review status: criteria provided, single submitter. Criteria: ACMG Guidelines, 2015. Collection method: clinical testing. Allele origin: germline.
Comment: Classification criteria: BP4, BP7

NM_000051.4(ATM):c.4436+24A>G

Gene: ATM (ATM serine/threonine kinase; plus strand). Cytogenetic location: 11q22.3.
Variant type: single nucleotide variant.
Coding change: c.4436+24A>G on transcript NM_000051.4 (MANE Select); 24 bases into the intron after coding-DNA position 4436, A replaced by G.
Molecular consequence: intron variant.
Genome position (GRCh38, 1-based): chr11:108,289,825, A>G. VCF-style: chr11-108289825-A-G. GRCh37 (hg19) VCF-style: chr11-108160552-A-G.
Other names: c.4436+24A>G (NM_001351834.2).
Identifiers: ClinVar variation 4539301 (VCV004539301.1).